The following is an entry in ClinVar:

NM_007294.4(BRCA1):c.5152+5G>C

Gene: BRCA1 (BRCA1 DNA repair associated; minus strand). Cytogenetic location: 17q21.31.
Variant type: single nucleotide variant.
Coding change: c.5152+5G>C on transcript NM_007294.4 (MANE Select); 5 bases into the intron after coding-DNA position 5152, G replaced by C.
Molecular consequence: intron variant.
Genome position (GRCh38, 1-based): chr17:43,063,869, C>G on the plus strand (G>C on the coding strand, the complement: BRCA1 is on the minus strand). VCF-style: chr17-43063869-C-G. GRCh37 (hg19) VCF-style: chr17-41215886-C-G.
Other names: c.1699+5G>C (NM_001408458.1, NM_001408461.1, NM_001408464.1 and 7 more transcripts); c.4261+5G>C (NM_001407967.1); c.4771+5G>C (NM_001407959.1); c.4885+5G>C (NM_001407931.1, NM_001407932.1, NM_001407928.1 and 4 more transcripts); c.5008+5G>C (NM_001407747.1, NM_001407745.1, NM_001407737.1 and 21 more transcripts); c.4768+5G>C (NM_001407962.1, NM_001407960.1); c.1339+5G>C (NM_001408512.1); c.1462+5G>C (NM_001408510.1); and 73 more.
Identifiers: ClinVar variation 220736 (VCV000220736.32), dbSNP rs80358165, ClinGen allele CA348506.
Genomic context (GRCh38, chr17:43,063,869, plus strand): 5'-GTTAGGTGTAAAAATGCAATTCTGAGGTGTTAAAGGGAGGAGGGGAGAAATAGTATTATA[C>G]TTACAGAAATAGCTAACTACCCATTTTCCTCCCGCAATTCCTAGAAAATATTTCAGTGTC-3'

ClinVar aggregate classification (germline): Pathogenic/Likely pathogenic. Review status: criteria provided, multiple submitters, no conflicts (2 of 4 stars). 3 submissions from 3 submitters: Pathogenic (1); Likely pathogenic (1). 1 of the submissions does not count toward it. Last evaluated 2025-12-21.

Conditions:
Hereditary cancer-predisposing syndrome. Also called: Tumor predisposition; Hereditary Cancer Syndrome; Neoplastic Syndromes, Hereditary; Hereditary neoplastic syndrome. Identifiers: Orphanet 140162, MedGen C0027672, MeSH D009386, MONDO:0015356.
Breast-ovarian cancer, familial, susceptibility to, 1 (BROVCA1). Also called: BRCA1 Hereditary Breast and Ovarian Cancer; OVARIAN CANCER, SUSCEPTIBILITY TO. Identifiers: Orphanet 145, MedGen C2676676, MONDO:0011450, OMIM 604370. Disease mechanism: loss of function.
Hereditary breast ovarian cancer syndrome. Also called: Breast and ovarian cancer; Hereditary breast and ovarian cancer; Hereditary breast and ovarian cancer syndrome; Hereditary breast and/or ovarian cancer syndrome; BRCA1- and BRCA2-Associated Hereditary Breast and Ovarian Cancer; Hereditary breast and ovarian cancer syndrome (HBOC). Identifiers: Orphanet 145, MedGen C0677776, MeSH D061325, MONDO:0003582. Disease mechanism: loss of function.

Allele frequency attached by ClinVar (database versions not stated): gnomAD exomes below 0.00001.
gnomAD v4.1: 1 of 1,609,770 alleles (0.000062%); highest among the groups gnomAD compares: Non-Finnish European, 0.000085%; no homozygotes.

Submissions (4):

Labcorp Genetics (formerly Invitae), Labcorp
Classification: Pathogenic for Hereditary breast ovarian cancer syndrome. Last evaluated: 2025-12-21. Review status: criteria provided, single submitter. Criteria: Invitae Variant Classification Sherloc (09022015). Collection method: clinical testing. Allele origin: germline.
Comment: This sequence change falls in intron 17 of the BRCA1 gene. It does not directly change the encoded amino acid sequence of the BRCA1 protein. It affects a nucleotide within the consensus splice site. This variant is not present in population databases (gnomAD no frequency). This variant has been observed in individual(s) with breast cancer (internal data). It has also been observed to segregate with disease in related individuals. ClinVar contains an entry for this variant (Variation ID: 220736). Algorithms developed to predict the effect of variants on gene product structure and function are not available or were not evaluated for this variant. Experimental studies have shown that this variant affects BRCA1 function (PMID: 30209399). Variants that disrupt the consensus splice site are a relatively common cause of aberrant splicing (PMID: 17576681, 9536098). Algorithms developed to predict the effect of sequence changes on RNA splicing suggest that this variant may disrupt the consensus splice site. This variant disrupts the c.5152+5G nucleotide in the BRCA1 gene. Other variant(s) that disrupt this nucleotide have been determined to be pathogenic (PMID: 12955716, 12955719, 23479189, 30209399). This suggests that this nucleotide is clinically significant, and that variants that disrupt this position are likely to be disease-causing. For these reasons, this variant has been classified as Pathogenic.

Ambry Genetics
Classification: Likely pathogenic for Hereditary cancer-predisposing syndrome. Last evaluated: 2025-08-18. Review status: criteria provided, single submitter. Criteria: Ambry Variant Classification Scheme 2023. Collection method: clinical testing. Allele origin: germline.
Comment: The c.5152+5G>C intronic variant results from a G to C substitution 5 nucleotides after coding exon 16 in the BRCA1 gene. This variant was reported in individual(s) with features consistent with BRCA1-related cancer predisposition (&Ouml;fverholm A et al. BMC Cancer, 2023 Aug;23:738). One functional study found that this nucleotide substitution is non-functional in a high throughput genome editing haploid cell survival assay (Findlay GM et al. Nature, 2018 Oct;562:217-222). One RNA study demonstrated that this alteration results in abnormal splicing (Wai HA et al. Genet Med, 2020 Jun;22:1005-1014). This variant is considered to be rare based on population cohorts in the Genome Aggregation Database (gnomAD). This nucleotide position is highly conserved in available vertebrate species. In silico splice site analysis predicts that this alteration will weaken the native splice donor site. Based on the majority of available evidence to date, this variant is likely to be pathogenic.

BRCAlab, Lund University
Classification: Likely pathogenic for Breast-ovarian cancer, familial, susceptibility to, 1. Last evaluated: 2022-08-26. Review status: no assertion criteria provided. Collection method: clinical testing. Allele origin: germline. Affected: yes. Not counted in ClinVar's aggregate classification.

Brotman Baty Institute, University of Washington
No classification provided (evidence only). Condition: Breast-ovarian cancer, familial 1. Review status: no classification provided. Collection method: in vitro. Allele origin: not applicable. Functional consequence: functionally_abnormal. Not counted in ClinVar's aggregate classification.
ClinVar note: "not provided" was previously submitted as the classification for the variant. However, the classification appeared to be based only on an observation of functional data so it was converted to no classification on 2025-07-30.

Literature cited by the submitters: PubMed 30209399 (cited by Labcorp Genetics (formerly Invitae), Labcorp and Ambry Genetics); PubMed 17576681 (cited by Labcorp Genetics (formerly Invitae), Labcorp); PubMed 9536098 (cited by Labcorp Genetics (formerly Invitae), Labcorp); PubMed 12955716 (cited by Labcorp Genetics (formerly Invitae), Labcorp); PubMed 12955719 (cited by Labcorp Genetics (formerly Invitae), Labcorp); PubMed 23479189 (cited by Labcorp Genetics (formerly Invitae), Labcorp); PubMed 32123317 (cited by Ambry Genetics); PubMed 37563628 (cited by Ambry Genetics).